The following is an entry in ClinVar:

NM_001046.3(SLC12A2):c.2748A>T (p.Gly916=)

Gene: SLC12A2 (solute carrier family 12 member 2; plus strand). Cytogenetic location: 5q23.3.
Variant type: single nucleotide variant.
Coding change: c.2748A>T on transcript NM_001046.3 (MANE Select); coding-DNA position 2748, A replaced by T.
Protein change: p.Gly916=; no amino-acid change (glycine 916 retained).
Molecular consequence: synonymous variant. On other transcripts: non-coding transcript variant (1).
Genome position (GRCh38, 1-based): chr5:128,171,691, A>T. VCF-style: chr5-128171691-A-T. GRCh37 (hg19) VCF-style: chr5-127507383-A-T.
Other names: c.2748A>T, p.Gly916= (NM_001256461.2); c.2748A>T (NM_001046.2).
Identifiers: ClinVar variation 1628764 (VCV001628764.34), dbSNP rs141683516, ClinGen allele CA3393451.

ClinVar aggregate classification (germline): Benign/Likely benign. Review status: criteria provided, multiple submitters, no conflicts (2 of 4 stars). 4 submissions from 4 submitters: Benign (3); Likely benign (1). Last evaluated 2026-06-01.

Conditions:
SLC12A2-related disorder. Also called: SLC12A2-related condition; SLC12A2-related disorders.
Hearing loss, autosomal dominant 78. Also called: DEAFNESS, AUTOSOMAL DOMINANT 78. Identifiers: MedGen C5436768, MONDO:0033665, OMIM 619081.
Delpire-McNeill syndrome. Also called: SLC12A2-related autosomal dominant infantile-developmental delay-intellectual disability-sensorineural deafness syndrome. Identifiers: Orphanet 633024, MedGen C5436771, MONDO:0033667, OMIM 619083.
Kilquist syndrome (KILQS). Also called: SLC12A2-related autosomal recessive neonatal-developmental delay-intellectual disability-feeding difficulty-sensorineural deafness syndrome. Identifiers: Orphanet 633021, MedGen C5436756, MONDO:0033664, OMIM 619080.

Allele frequency attached by ClinVar (database versions not stated): ESP Exome Variant Server 0.00077; gnomAD 0.00080 and 0.00125; TOPMed 0.00103; gnomAD exomes 0.00164 and 0.00245; ExAC 0.00282; 1000 Genomes Project 0.00439; 1000 Genomes Project 30x 0.00468.
gnomAD v4.1: 2,572 of 1,586,682 alleles (0.16%); highest among the groups gnomAD compares: South Asian, 1.4%; 23 homozygotes.

Submissions (4):

CeGaT Center for Human Genetics Tuebingen
Classification: Benign. Last evaluated: 2026-06-01. Review status: criteria provided, single submitter. Criteria: CeGaT Center For Human Genetics Tuebingen Variant Classification Criteria Version 2. Collection method: clinical testing. Allele origin: germline. Affected: yes. Observed: 13 variant alleles.
Comment: SLC12A2: BP4, BP7, BS1, BS2

Labcorp Genetics (formerly Invitae), Labcorp
Classification: Benign. Last evaluated: 2026-01-26. Review status: criteria provided, single submitter. Criteria: Invitae Variant Classification Sherloc (09022015). Collection method: clinical testing. Allele origin: germline.

PreventionGenetics, part of Exact Sciences
Classification: Benign for SLC12A2-related condition. Last evaluated: 2024-12-11. Review status: criteria provided, single submitter. Criteria: ACMG Guidelines, 2015. Collection method: clinical testing. Allele origin: germline.
Comment: This variant is classified as benign based on ACMG/AMP sequence variant interpretation guidelines (Richards et al. 2015 PMID: 25741868, with internal and published modifications).

Fulgent Genetics
Classification: Likely benign for Kilquist syndrome; Hearing loss, autosomal dominant 78; Delpire-McNeill syndrome. Last evaluated: 2021-09-22. Review status: criteria provided, single submitter. Criteria: ACMG Guidelines, 2015. Collection method: clinical testing. Allele origin: unknown.